The following is an entry in ClinVar:

ClinVar aggregate classification (germline): Pathogenic/Likely pathogenic. Review status: criteria provided, multiple submitters, no conflicts (2 of 4 stars). 5 submissions from 5 submitters: Pathogenic (1); Likely pathogenic (4). Last evaluated 2024-01-16.

Conditions:
Ataxia-telangiectasia syndrome (AT). Also called: Ataxia-telangiectasia, complementation group D; AT, COMPLEMENTATION GROUP C; Ataxia telangiectasia (A-T); Cerebello-oculocutaneous telangiectasia; Immunodeficiency with ataxia telangiectasia; Ataxia-telangiectasia. Identifiers: Orphanet 100, MedGen C0004135, MONDO:0008840, OMIM 208900.
Familial cancer of breast. Also called: hereditary breast carcinoma; BREAST CANCER, FAMILIAL; Hereditary breast cancer. Identifiers: Orphanet 227535, MedGen C0346153, MONDO:0016419, OMIM 114480. Disease mechanism: loss of function.
Hereditary cancer-predisposing syndrome. Also called: Neoplastic Syndromes, Hereditary; Hereditary neoplastic syndrome; Tumor predisposition; Hereditary Cancer Syndrome. Identifiers: Orphanet 140162, MedGen C0027672, MeSH D009386, MONDO:0015356.

Submissions (5):

Myriad Genetics, Inc.
Classification: Likely pathogenic for Familial cancer of breast. Last evaluated: 2024-01-16. Review status: criteria provided, single submitter. Criteria: Myriad Autosomal Dominant, Autosomal Recessive and X-Linked Classification Criteria (2023). Collection method: clinical testing. Allele origin: unknown.
Comment: This variant is considered likely pathogenic. This variant occurs within a consensus splice junction and is predicted to result in abnormal mRNA splicing of either an out-of-frame exon or an in-frame exon necessary for protein stability and/or normal function.

Baylor Genetics
Classification: Likely pathogenic for Familial cancer of breast. Last evaluated: 2022-12-20. Review status: criteria provided, single submitter. Criteria: ACMG Guidelines, 2015. Collection method: clinical testing. Allele origin: unknown.

Color Diagnostics, LLC DBA Color Health
Classification: Likely pathogenic for Hereditary cancer-predisposing syndrome. Last evaluated: 2021-07-22. Review status: criteria provided, single submitter. Criteria: ACMG Guidelines, 2015. Collection method: clinical testing. Allele origin: germline.
Comment: This variant causes a G to A nucleotide substitution at the +1 position of intron 10 of the ATM gene. Splice site prediction tools predict that this variant may have a significant impact on RNA splicing. Although this prediction has not been confirmed in published RNA studies, a different variant affecting the same splice acceptor site (c.1607+1G>T) is considered to be disease-causing (ClinVar variation ID: 220555), suggesting that the reference sequence at this splice site is important for normal RNA splicing and creating functional RNA transcript. This variant has been reported in an individual affected with breast cancer (PMID: 27779110). This variant has not been identified in the general population by the Genome Aggregation Database (gnomAD). Loss of ATM function is a known mechanism of disease. Based on the available evidence, this variant is classified as Likely Pathogenic.

Labcorp Genetics (formerly Invitae), Labcorp
Classification: Pathogenic for Ataxia-telangiectasia syndrome. Last evaluated: 2019-12-27. Review status: criteria provided, single submitter. Criteria: Invitae Variant Classification Sherloc (09022015). Collection method: clinical testing. Allele origin: germline.
Comment: This variant is not present in population databases (ExAC no frequency). This variant has been observed in individual(s) with breast cancer (PMID: 27779110). Disruption of this splice site has been reported to affect ATM protein function (PMID: 9450906). This sequence change affects a donor splice site in intron 10 of the ATM gene. It is expected to disrupt RNA splicing and likely results in an absent or disrupted protein product. Algorithms developed to predict the effect of sequence changes on RNA splicing suggest that this variant may disrupt the consensus splice site, but this prediction has not been confirmed by published transcriptional studies. Donor and acceptor splice site variants typically lead to a loss of protein function (PMID: 16199547), and loss-of-function variants in ATM are known to be pathogenic (PMID: 23807571, 25614872). For these reasons, this variant has been classified as Pathogenic.

GeneDx
Classification: Likely pathogenic. Last evaluated: 2019-07-05. Review status: criteria provided, single submitter. Criteria: GeneDx Variant Classification Process June 2021. Collection method: clinical testing. Allele origin: germline. Affected: yes.
Comment: Not observed in large population cohorts (Lek et al., 2016); Canonical splice site variant predicted to result in an in-frame deletion of exon 10; This variant is associated with the following publications: (PMID: 27779110)

Literature cited by the submitters: PubMed 27779110 (cited by Labcorp Genetics (formerly Invitae), Labcorp); PubMed 9450906 (cited by Labcorp Genetics (formerly Invitae), Labcorp); PubMed 16199547 (cited by Labcorp Genetics (formerly Invitae), Labcorp); PubMed 23807571 (cited by Labcorp Genetics (formerly Invitae), Labcorp); PubMed 25614872 (cited by Labcorp Genetics (formerly Invitae), Labcorp).

NM_000051.4(ATM):c.1607+1G>A

Gene: ATM (ATM serine/threonine kinase; plus strand). Cytogenetic location: 11q22.3.
Variant type: single nucleotide variant.
Coding change: c.1607+1G>A on transcript NM_000051.4 (MANE Select); the canonical splice donor site of the intron after coding-DNA position 1607, G replaced by A.
Molecular consequence: splice donor variant.
Genome position (GRCh38, 1-based): chr11:108,251,073, G>A. VCF-style: chr11-108251073-G-A. GRCh37 (hg19) VCF-style: chr11-108121800-G-A.
Other names: c.1607+1G>A (NM_001351834.2).
Identifiers: ClinVar variation 843612 (VCV000843612.18), dbSNP rs772926890, ClinGen allele CA382534457.
Genomic context (GRCh38, chr11:108,251,073, plus strand): 5'-AGTTGAGGTTGACAGAGAATTCTGGAAGTTATTTACTGGGTCAGCCTGCAGACCTTCATG[G>A]TAAGTTCAGCATGCATTATGTCTGACTTACAGATAAACACACACAGACACACACACACTC-3'